The following is an entry in ClinVar:

NM_002180.3(IGHMBP2):c.926A>T (p.Lys309Met)

Gene: IGHMBP2 (immunoglobulin mu DNA binding protein 2; plus strand). Cytogenetic location: 11q13.3.
Variant type: single nucleotide variant.
Coding change: c.926A>T on transcript NM_002180.3 (MANE Select); coding-DNA position 926, A replaced by T.
Protein change: p.Lys309Met; replaces lysine 309 with methionine.
Molecular consequence: missense variant.
Genome position (GRCh38, 1-based): chr11:68,917,749, A>T. VCF-style: chr11-68917749-A-T. GRCh37 (hg19) VCF-style: chr11-68685217-A-T.
Other names: short protein forms K309M.
Identifiers: ClinVar variation 2075156 (VCV002075156.4), dbSNP rs2495993867, ClinGen allele CA381644745.

ClinVar aggregate classification (germline): Uncertain significance (1 of 4 stars; one submission).

Conditions:
Charcot-Marie-Tooth disease axonal type 2S. Also called: CHARCOT-MARIE-TOOTH DISEASE, AXONAL, AUTOSOMAL RECESSIVE, TYPE 2S; CHARCOT-MARIE-TOOTH NEUROPATHY, TYPE 2S. Identifiers: Orphanet 443073, MedGen C4015349, MONDO:0014511, OMIM 616155.
Autosomal recessive distal spinal muscular atrophy 1. Also called: NEURONOPATHY, DISTAL HEREDITARY MOTOR, HARDING TYPE VI; NEUROPATHY, DISTAL HEREDITARY MOTOR, AUTOSOMAL RECESSIVE 1; SEVERE INFANTILE AXONAL NEUROPATHY WITH RESPIRATORY FAILURE; SPINAL MUSCULAR ATROPHY, DIAPHRAGMATIC; HMN VI; Spinal muscular atrophy with respiratory distress 1. Identifiers: Orphanet 98920, MedGen C1858517, MONDO:0011436, OMIM 604320.

Submission:

Labcorp Genetics (formerly Invitae), Labcorp
Classification: Uncertain significance for Autosomal recessive distal spinal muscular atrophy 1; Charcot-Marie-Tooth disease axonal type 2S. Last evaluated: 2022-01-13. Review status: criteria provided, single submitter. Criteria: Invitae Variant Classification Sherloc (09022015). Collection method: clinical testing. Allele origin: germline.
Comment: This sequence change replaces lysine, which is basic and polar, with methionine, which is neutral and non-polar, at codon 309 of the IGHMBP2 protein (p.Lys309Met). This variant is not present in population databases (gnomAD no frequency). This variant has not been reported in the literature in individuals affected with IGHMBP2-related conditions. Algorithms developed to predict the effect of missense changes on protein structure and function are either unavailable or do not agree on the potential impact of this missense change (SIFT: "Deleterious"; PolyPhen-2: "Probably Damaging"; Align-GVGD: "Class C0"). In summary, the available evidence is currently insufficient to determine the role of this variant in disease. Therefore, it has been classified as a Variant of Uncertain Significance.